The following is an entry in ClinVar:

NM_000038.6(APC):c.1089T>A (p.Asn363Lys)

Gene: APC (APC regulator of Wnt signaling pathway; plus strand). Cytogenetic location: 5q22.2.
Variant type: single nucleotide variant.
Coding change: c.1089T>A on transcript NM_000038.6 (MANE Select); coding-DNA position 1089, T replaced by A.
Protein change: p.Asn363Lys; replaces asparagine 363 with lysine.
Molecular consequence: missense variant. On other transcripts: intron variant (4).
Genome position (GRCh38, 1-based): chr5:112,819,121, T>A. VCF-style: chr5-112819121-T-A. GRCh37 (hg19) VCF-style: chr5-112154818-T-A.
Other names: c.1089T>A, p.Asn363Lys (NM_001127510.3, NM_001354895.2, NM_001354896.2 and 4 more transcripts); c.1035T>A, p.Asn345Lys (NM_001127511.3); c.1119T>A, p.Asn373Lys (NM_001354897.2, NM_001407446.1); c.1014T>A, p.Asn338Lys (NM_001354898.2, NM_001407451.1); c.1005T>A, p.Asn335Lys (NM_001354899.2, NM_001407452.1); c.912T>A, p.Asn304Lys (NM_001354900.2, NM_001354901.2, NM_001407453.1); c.240T>A, p.Asn80Lys (NM_001354906.2, NM_001407470.1); c.964-148T>A (NM_001354902.2); and 4 more; short protein forms N304K, N335K, N338K, N345K, N363K, N373K, N80K.
Identifiers: ClinVar variation 2428196 (VCV002428196.7), dbSNP rs754925114, ClinGen allele CA16023695.
Genomic context (GRCh38, chr5:112,819,121, plus strand): 5'-CTGTATATCCATGCGACAGTCTGGATGTCTTCCTCTCCTCATCCAGCTTTTACATGGCAA[T>A]GACAAAGACTCTGTATTGTTGGGAAATTCCCGGGGCAGTAAAGAGGCTCGGGCCAGGGCC-3'
Protein context (NP_000029.2, residues 353-373): LPLLIQLLHG[Asn363Lys]DKDSVLLGNS

ClinVar aggregate classification (germline): Uncertain significance. Review status: criteria provided, multiple submitters, no conflicts (2 of 4 stars). 2 submissions from 2 submitters: Uncertain significance (2). Last evaluated 2023-10-25.

Conditions:
Familial adenomatous polyposis 1 (FAP1). Also called: FAMILIAL ADENOMATOUS POLYPOSIS 1, ATTENUATED; POLYPOSIS, ADENOMATOUS INTESTINAL. Identifiers: MedGen C2713442, MONDO:0021056, OMIM 175100. Disease mechanism: loss of function.

Submissions (2):

Labcorp Genetics (formerly Invitae), Labcorp
Classification: Uncertain significance for Familial adenomatous polyposis 1. Last evaluated: 2023-10-25. Review status: criteria provided, single submitter. Criteria: Invitae Variant Classification Sherloc (09022015). Collection method: clinical testing. Allele origin: germline.
Comment: This sequence change replaces asparagine, which is neutral and polar, with lysine, which is basic and polar, at codon 363 of the APC protein (p.Asn363Lys). This variant is not present in population databases (gnomAD no frequency). This variant has not been reported in the literature in individuals affected with APC-related conditions. ClinVar contains an entry for this variant (Variation ID: 2428196). Advanced modeling of protein sequence and biophysical properties (such as structural, functional, and spatial information, amino acid conservation, physicochemical variation, residue mobility, and thermodynamic stability) performed at Invitae indicates that this missense variant is not expected to disrupt APC protein function with a negative predictive value of 95%. In summary, the available evidence is currently insufficient to determine the role of this variant in disease. Therefore, it has been classified as a Variant of Uncertain Significance.

GeneDx
Classification: Uncertain significance. Last evaluated: 2023-05-19. Review status: criteria provided, single submitter. Criteria: GeneDx Variant Classification Process June 2021. Collection method: clinical testing. Allele origin: germline. Affected: yes.
Comment: Not observed at significant frequency in large population cohorts (gnomAD); In silico analysis supports that this missense variant does not alter protein structure/function; Has not been previously published as pathogenic or benign to our knowledge